The following is an entry in ClinVar:

ClinVar aggregate classification (germline): Conflicting classifications of pathogenicity. Review status: criteria provided, conflicting classifications (1 of 4 stars). 2 submissions from 2 submitters: Uncertain significance (1); Likely benign (1). Last evaluated 2024-12-13.

Conditions:
Familial thoracic aortic aneurysm and aortic dissection (TAAD). Also called: Thoracic aortic aneurysms and dissections. Identifiers: Orphanet 91387, MedGen C4707243, MONDO:0019625.
Adams-Oliver syndrome 5 (AOS5). Identifiers: Orphanet 974, MedGen C4014970, MONDO:0014459, OMIM 616028.

Submissions (2):

Ambry Genetics
Classification: Uncertain significance for Familial thoracic aortic aneurysm and aortic dissection. Last evaluated: 2024-12-13. Review status: criteria provided, single submitter. Criteria: Ambry Variant Classification Scheme 2023. Collection method: clinical testing. Allele origin: germline.
Comment: The p.H241Y variant (also known as c.721C>T), located in coding exon 4 of the NOTCH1 gene, results from a C to T substitution at nucleotide position 721. The histidine at codon 241 is replaced by tyrosine, an amino acid with similar properties. This amino acid position is conserved. In addition, this alteration is predicted to be tolerated by in silico analysis. Based on the available evidence, the clinical significance of this variant remains unclear.

Labcorp Genetics (formerly Invitae), Labcorp
Classification: Likely benign for Adams-Oliver syndrome 5. Last evaluated: 2024-05-22. Review status: criteria provided, single submitter. Criteria: Invitae Variant Classification Sherloc (09022015). Collection method: clinical testing. Allele origin: germline.

NM_017617.5(NOTCH1):c.721C>T (p.His241Tyr)

Gene: NOTCH1 (notch receptor 1; minus strand). Cytogenetic location: 9q34.3.
Variant type: single nucleotide variant.
Coding change: c.721C>T on transcript NM_017617.5 (MANE Select); coding-DNA position 721, C replaced by T.
Protein change: p.His241Tyr; replaces histidine 241 with tyrosine.
Molecular consequence: missense variant.
Genome position (GRCh38, 1-based): chr9:136,522,871, G>A on the plus strand (C>T on the coding strand, the complement: NOTCH1 is on the minus strand). VCF-style: chr9-136522871-G-A. GRCh37 (hg19) VCF-style: chr9-139417323-G-A.
Other names: c.721C>T (NM_017617.3); short protein forms H241Y.
Identifiers: ClinVar variation 2202133 (VCV002202133.5), dbSNP rs1251562545, ClinGen allele CA375569101.